The following is an entry in ClinVar:

NM_014844.5(TECPR2):c.103G>A (p.Val35Met)

Gene: TECPR2 (tectonin beta-propeller repeat containing 2; plus strand). Cytogenetic location: 14q32.31.
Variant type: single nucleotide variant.
Coding change: c.103G>A on transcript NM_014844.5 (MANE Select); coding-DNA position 103, G replaced by A.
Protein change: p.Val35Met; replaces valine 35 with methionine.
Molecular consequence: missense variant.
Genome position (GRCh38, 1-based): chr14:102,376,824, G>A. VCF-style: chr14-102376824-G-A. GRCh37 (hg19) VCF-style: chr14-102843161-G-A.
Other names: c.103G>A, p.Val35Met (NM_001172631.3); short protein forms V35M.
Identifiers: ClinVar variation 2162344 (VCV002162344.1), dbSNP rs750870349, ClinGen allele CA7357331.

ClinVar aggregate classification (germline): Uncertain significance (1 of 4 stars; one submission).

Conditions:
Hereditary spastic paraplegia 49 (HSAN9). Also called: Spastic paraplegia 49, autosomal recessive; TECPR2-Related Hereditary Sensory and Autonomic Neuropathy with Intellectual Disability; NEUROPATHY, HEREDITARY SENSORY AND AUTONOMIC, TYPE IX, WITH DEVELOPMENTAL DELAY. Identifiers: Orphanet 320385, MedGen C5190860, MONDO:0014016, OMIM 615031.

Allele frequency attached by ClinVar (database versions not stated): ExAC 0.00001.
gnomAD v4.1: 13 of 1,614,164 alleles (0.00081%); highest among the groups gnomAD compares: South Asian, 0.0033%; no homozygotes.

Submission:

Labcorp Genetics (formerly Invitae), Labcorp
Classification: Uncertain significance for Hereditary spastic paraplegia 49. Last evaluated: 2022-08-08. Review status: criteria provided, single submitter. Criteria: Invitae Variant Classification Sherloc (09022015). Collection method: clinical testing. Allele origin: germline.
Comment: This sequence change replaces valine, which is neutral and non-polar, with methionine, which is neutral and non-polar, at codon 35 of the TECPR2 protein (p.Val35Met). This variant is present in population databases (rs750870349, gnomAD 0.003%). This variant has not been reported in the literature in individuals affected with TECPR2-related conditions. Algorithms developed to predict the effect of missense changes on protein structure and function output the following: SIFT: "Tolerated"; PolyPhen-2: "Benign"; Align-GVGD: "Class C0". The methionine amino acid residue is found in multiple mammalian species, which suggests that this missense change does not adversely affect protein function. In summary, the available evidence is currently insufficient to determine the role of this variant in disease. Therefore, it has been classified as a Variant of Uncertain Significance.